The following is an entry in ClinVar:

ClinVar aggregate classification (germline): Uncertain significance. Review status: criteria provided, multiple submitters, no conflicts (2 of 4 stars). 2 submissions from 2 submitters: Uncertain significance (2). Last evaluated 2025-02-04.

Conditions:
Familial thoracic aortic aneurysm and aortic dissection (TAAD). Also called: Thoracic aortic aneurysms and dissections. Identifiers: Orphanet 91387, MedGen C4707243, MONDO:0019625.
Adams-Oliver syndrome 5 (AOS5). Identifiers: Orphanet 974, MedGen C4014970, MONDO:0014459, OMIM 616028.

Allele frequency attached by ClinVar (database versions not stated): TOPMed below 0.00001; gnomAD 0.00001.
gnomAD v4.1: 1 of 1,611,668 alleles (0.000062%); highest among the groups gnomAD compares: African/African-American, 0.0013%; no homozygotes.

Submissions (2):

Labcorp Genetics (formerly Invitae), Labcorp
Classification: Uncertain significance for Adams-Oliver syndrome 5. Last evaluated: 2025-02-04. Review status: criteria provided, single submitter. Criteria: Invitae Variant Classification Sherloc (09022015). Collection method: clinical testing. Allele origin: germline.
Comment: This sequence change replaces arginine, which is basic and polar, with serine, which is neutral and polar, at codon 1413 of the NOTCH1 protein (p.Arg1413Ser). This variant is not present in population databases (gnomAD no frequency). This variant has not been reported in the literature in individuals affected with NOTCH1-related conditions. ClinVar contains an entry for this variant (Variation ID: 582780). Invitae Evidence Modeling of protein sequence and biophysical properties (such as structural, functional, and spatial information, amino acid conservation, physicochemical variation, residue mobility, and thermodynamic stability) indicates that this missense variant is not expected to disrupt NOTCH1 protein function with a negative predictive value of 80%. In summary, the available evidence is currently insufficient to determine the role of this variant in disease. Therefore, it has been classified as a Variant of Uncertain Significance.

Ambry Genetics
Classification: Uncertain significance for Familial thoracic aortic aneurysm and aortic dissection. Last evaluated: 2024-06-09. Review status: criteria provided, single submitter. Criteria: Ambry Variant Classification Scheme 2023. Collection method: clinical testing. Allele origin: germline.
Comment: The p.R1413S variant (also known as c.4237C>A), located in coding exon 25 of the NOTCH1 gene, results from a C to A substitution at nucleotide position 4237. The arginine at codon 1413 is replaced by serine, an amino acid with dissimilar properties. This amino acid position is conserved. In addition, this alteration is predicted to be tolerated by in silico analysis. Since supporting evidence is limited at this time, the clinical significance of this alteration remains unclear.

NM_017617.5(NOTCH1):c.4237C>A (p.Arg1413Ser)

Gene: NOTCH1 (notch receptor 1; minus strand). Cytogenetic location: 9q34.3.
Variant type: single nucleotide variant.
Coding change: c.4237C>A on transcript NM_017617.5 (MANE Select); coding-DNA position 4237, C replaced by A.
Protein change: p.Arg1413Ser; replaces arginine 1413 with serine.
Molecular consequence: missense variant.
Genome position (GRCh38, 1-based): chr9:136,505,659, G>T on the plus strand (C>A on the coding strand, the complement: NOTCH1 is on the minus strand). VCF-style: chr9-136505659-G-T. GRCh37 (hg19) VCF-style: chr9-139400111-G-T.
Other names: c.4237C>A, p.Arg1413Ser (LRG_1122t1); short protein forms R1413S.
Identifiers: ClinVar variation 582780 (VCV000582780.11), dbSNP rs1348438354, ClinGen allele CA375648820.